The following is an entry in ClinVar:

NM_001375524.1(TRRAP):c.8998A>C (p.Met3000Leu)

Gene: TRRAP (transformation/transcription domain associated protein; plus strand). Cytogenetic location: 7q22.1.
Variant type: single nucleotide variant.
Coding change: c.8998A>C on transcript NM_001375524.1 (MANE Select); coding-DNA position 8998, A replaced by C.
Protein change: p.Met3000Leu; replaces methionine 3000 with leucine.
Molecular consequence: missense variant.
Genome position (GRCh38, 1-based): chr7:98,983,435, A>C. VCF-style: chr7-98983435-A-C. GRCh37 (hg19) VCF-style: chr7-98581058-A-C.
Other names: c.8977A>C, p.Met2993Leu (NM_001244580.2); c.8923A>C, p.Met2975Leu (NM_003496.4); short protein forms M2975L, M2993L, M3000L.
Identifiers: ClinVar variation 3359929 (VCV003359929.1).
Genomic context (GRCh38, chr7:98,983,435, plus strand): 5'-ACCTGGAGGAACCGACTGCCCATCGTGTCTGACGACTTGTCCCACTGGAGCAGCATCTTC[A>C]TGTGGAGGCAGCATCATTACCAGGGTAAACCGACCTGGTCCGGCATGCATTCATCATGTA-3'
Protein context (NP_001362453.1, residues 2990-3010): DDLSHWSSIF[Met3000Leu]WRQHHYQAIV

ClinVar aggregate classification (germline): Uncertain significance (1 of 4 stars; one submission).

Submission:

GeneDx
Classification: Uncertain significance. Last evaluated: 2023-06-19. Review status: criteria provided, single submitter. Criteria: GeneDx Variant Classification Process June 2021. Collection method: clinical testing. Allele origin: germline. Affected: yes.
Comment: Not observed at significant frequency in large population cohorts (gnomAD); In silico analysis supports that this missense variant does not alter protein structure/function; Has not been previously published as pathogenic or benign to our knowledge